The following is an entry in ClinVar:

NM_000091.5(COL4A3):c.4720T>C (p.Trp1574Arg)

Genes: COL4A3 (collagen type IV alpha 3 chain; plus strand), MFF-DT (MFF divergent transcript; minus strand). Cytogenetic location: 2q36.3.
Variant type: single nucleotide variant.
Coding change: c.4720T>C on transcript NM_000091.5 (MANE Select); coding-DNA position 4720, T replaced by C.
Protein change: p.Trp1574Arg; replaces tryptophan 1574 with arginine.
Molecular consequence: missense variant.
Genome position (GRCh38, 1-based): chr2:227,309,283, T>C. VCF-style: chr2-227309283-T-C. GRCh37 (hg19) VCF-style: chr2-228173999-T-C.
Other names: short protein forms W1574R.
Identifiers: ClinVar variation 1064889 (VCV001064889.3), dbSNP rs2106289541, ClinGen allele CA350865734.

ClinVar aggregate classification (germline): Uncertain significance (1 of 4 stars; one submission).

Conditions:
Hearing impairment. Also called: Impaired Hearing. Identifiers: MedGen C1384666, MONDO:0005365, HP:0000365.

Submission:

Department of Otolaryngology – Head & Neck Surgery, Cochlear Implant Center
Classification: Uncertain significance for Hearing impairment. Last evaluated: 2021-04-12. Review status: criteria provided, single submitter. Criteria: ClinGen HL ACMG Specifications v1. Collection method: clinical testing. Allele origin: germline. Affected: yes.
Comment: PM2_Moderate, PP3_Supporting